The following is an entry in ClinVar:

NM_032977.4(CASP10):c.1015C>G (p.Gln339Glu)

Gene: CASP10 (caspase 10; plus strand). Cytogenetic location: 2q33.1.
Variant type: single nucleotide variant.
Coding change: c.1015C>G on transcript NM_032977.4 (MANE Select); coding-DNA position 1015, C replaced by G.
Protein change: p.Gln339Glu; replaces glutamine 339 with glutamic acid.
Molecular consequence: missense variant. On other transcripts: 3 prime UTR variant (1).
Genome position (GRCh38, 1-based): chr2:201,209,162, C>G. VCF-style: chr2-201209162-C-G. GRCh37 (hg19) VCF-style: chr2-202073885-C-G.
Other names: c.814C>G, p.Gln272Glu (NM_001206524.2); c.886C>G, p.Gln296Glu (NM_001206542.2, NM_001230.5); c.1015C>G, p.Gln339Glu (NM_032974.5); c.*101C>G (NM_032976.4); short protein forms Q296E, Q272E, Q339E.
Identifiers: ClinVar variation 1404171 (VCV001404171.6), dbSNP rs111775921, ClinGen allele CA2053164.

ClinVar aggregate classification (germline): Uncertain significance (1 of 4 stars; one submission).

Conditions:
Autoimmune lymphoproliferative syndrome type 2A (ALPS2A). Also called: CASP10-Related Autoimmune Lymphoproliferative Syndrome; AUTOIMMUNE LYMPHOPROLIFERATIVE SYNDROME, TYPE IIA; Autoimmune lymphoproliferative syndrome type 2. Identifiers: Orphanet 3261, MedGen C1858968, MONDO:0011383, OMIM 603909.

Allele frequency attached by ClinVar (database versions not stated): TOPMed 0.00001.
gnomAD v4.1: 37 of 1,611,980 alleles (0.0023%); highest among the groups gnomAD compares: African/African-American, 0.017%; no homozygotes.

Submission:

Labcorp Genetics (formerly Invitae), Labcorp
Classification: Uncertain significance for Autoimmune lymphoproliferative syndrome type 2A. Last evaluated: 2025-11-03. Review status: criteria provided, single submitter. Criteria: Invitae Variant Classification Sherloc (09022015). Collection method: clinical testing. Allele origin: germline.
Comment: This sequence change replaces glutamine, which is neutral and polar, with glutamic acid, which is acidic and polar, at codon 339 of the CASP10 protein (p.Gln339Glu). This variant is present in population databases (rs111775921, gnomAD 0.01%). This variant has not been reported in the literature in individuals affected with CASP10-related conditions. ClinVar contains an entry for this variant (Variation ID: 1404171). Invitae Evidence Modeling of protein sequence and biophysical properties (such as structural, functional, and spatial information, amino acid conservation, physicochemical variation, residue mobility, and thermodynamic stability) indicates that this missense variant is not expected to disrupt CASP10 protein function with a negative predictive value of 80%. In summary, the available evidence is currently insufficient to determine the role of this variant in disease. Therefore, it has been classified as a Variant of Uncertain Significance.